The following is an entry in ClinVar:

ClinVar aggregate classification (germline): Pathogenic (1 of 4 stars; one submission).

Conditions:
Chédiak-Higashi syndrome (CHS). Also called: Chediak-Higashi Syndrome. Identifiers: Orphanet 167, MedGen C0007965, MONDO:0008963, OMIM 214500.

Submission:

Labcorp Genetics (formerly Invitae), Labcorp
Classification: Pathogenic for Chédiak-Higashi syndrome. Last evaluated: 2023-03-01. Review status: criteria provided, single submitter. Criteria: Invitae Variant Classification Sherloc (09022015). Collection method: clinical testing. Allele origin: germline.
Comment: This sequence change creates a premature translational stop signal (p.Glu1246Argfs*10) in the LYST gene. It is expected to result in an absent or disrupted protein product. Loss-of-function variants in LYST are known to be pathogenic (PMID: 9215679, 11857544). This variant is not present in population databases (gnomAD no frequency). This variant has not been reported in the literature in individuals affected with LYST-related conditions. For these reasons, this variant has been classified as Pathogenic.

Literature cited by the submitters: PubMed 9215679; PubMed 11857544.

NM_000081.4(LYST):c.3736_3737del (p.Glu1246fs)

Gene: LYST (lysosomal trafficking regulator; minus strand). Cytogenetic location: 1q42.3.
Variant type: Deletion.
Coding change: c.3736_3737del on transcript NM_000081.4 (MANE Select); coding-DNA positions 3736 to 3737, 2 bases deleted (GA; older notation c.3736_3737delGA).
Protein change: p.Glu1246fs; shifts the reading frame from glutamic acid 1246.
Molecular consequence: frameshift variant.
Genome position (GRCh38, 1-based): chr1:235,801,073-235,801,074, TC deleted on the plus strand (GA on the coding strand, the reverse complement: LYST is on the minus strand); deleting any 2 consecutive bases within chr1:235,801,073-235,801,075 gives the same sequence; the c. name uses the placement nearest the transcript's 3' end. VCF-style (leftmost placement, unchanged base first): chr1-235801072-TTC-T. GRCh37 (hg19) VCF-style: chr1-235964372-TTC-T.
Other names: c.3736_3737del, p.Glu1246fs (NM_001301365.1); short protein forms E1246fs.
Identifiers: ClinVar variation 2841742 (VCV002841742.3), dbSNP rs2527016939, ClinGen allele CA2739273997.
Genomic context (GRCh38, chr1:235,801,072, plus strand): 5'-TATTTCCCCTTGAGTGAGGTTTTCGAGTAAGTCATTTGGACTGCTTGATGCACTGAAACC[TTC>T]TGTTTCAGACTTTAAGTCTACCCCTGAAAAGAGAAAAGCGAAAGATTACTTGTATTCCCT-3'